The following is an entry in ClinVar:

ClinVar aggregate classification (germline): Uncertain significance (1 of 4 stars; one submission).

Conditions:
Hereditary cancer-predisposing syndrome. Also called: Hereditary Cancer Syndrome; Hereditary neoplastic syndrome; Neoplastic Syndromes, Hereditary; Tumor predisposition. Identifiers: Orphanet 140162, MedGen C0027672, MeSH D009386, MONDO:0015356.

Allele frequency attached by ClinVar (database versions not stated): gnomAD 0.00001.
gnomAD v4.1: 5 of 1,613,880 alleles (0.00031%); highest among the groups gnomAD compares: Non-Finnish European, 0.00017%; no homozygotes.

Submission:

Ambry Genetics
Classification: Uncertain significance for Hereditary cancer-predisposing syndrome. Last evaluated: 2025-03-29. Review status: criteria provided, single submitter. Criteria: Ambry Variant Classification Scheme 2023. Collection method: clinical testing. Allele origin: germline.
Comment: The p.S472N variant (also known as c.1415G>A), located in coding exon 11 of the POT1 gene, results from a G to A substitution at nucleotide position 1415. The serine at codon 472 is replaced by asparagine, an amino acid with highly similar properties. This amino acid position is conserved. In addition, this alteration is predicted to be tolerated by in silico analysis. This variant has been reclassified from a variant of unknown significance to likely benign based on updated recommendations for interpretation of in silico models (Pejaver V et al. Am J Hum Genet. 2022 Dec 1;109(12):2163-2177).

NM_015450.3(POT1):c.1415G>A (p.Ser472Asn)

Gene: POT1 (protection of telomeres 1; minus strand). Cytogenetic location: 7q31.33.
Variant type: single nucleotide variant.
Coding change: c.1415G>A on transcript NM_015450.3 (MANE Select); coding-DNA position 1415, G replaced by A.
Protein change: p.Ser472Asn; replaces serine 472 with asparagine.
Molecular consequence: missense variant. On other transcripts: non-coding transcript variant (3).
Genome position (GRCh38, 1-based): chr7:124,835,369, C>T on the plus strand (G>A on the coding strand, the complement: POT1 is on the minus strand). VCF-style: chr7-124835369-C-T. GRCh37 (hg19) VCF-style: chr7-124475423-C-T.
Other names: c.1022G>A, p.Ser341Asn (NM_001042594.2); short protein forms S341N, S472N.
Identifiers: ClinVar variation 1772119 (VCV001772119.3), dbSNP rs1794873742, ClinGen allele CA369065812.